The following is an entry in ClinVar:

NM_000552.5(VWF):c.1594G>C (p.Gly532Arg)

Gene: VWF (von Willebrand factor; minus strand). Cytogenetic location: 12p13.31.
Variant type: single nucleotide variant.
Coding change: c.1594G>C on transcript NM_000552.5 (MANE Select); coding-DNA position 1594, G replaced by C.
Protein change: p.Gly532Arg; replaces glycine 532 with arginine.
Molecular consequence: missense variant.
Genome position (GRCh38, 1-based): chr12:6,057,984, C>G on the plus strand (G>C on the coding strand, the complement: VWF is on the minus strand). VCF-style: chr12-6057984-C-G. GRCh37 (hg19) VCF-style: chr12-6167150-C-G.
Other names: short protein forms G532R.
Identifiers: ClinVar variation 2572135 (VCV002572135.1), dbSNP rs200291678, ClinGen allele CA232310706.

ClinVar aggregate classification (germline): Uncertain significance (1 of 4 stars; one submission).

Conditions:
von Willebrand disease type 1 (VWD1). Also called: VON WILLEBRAND DISEASE, TYPE I; VWD, TYPE 1. Identifiers: Orphanet 166078, Orphanet 903, MedGen C1264039, MONDO:0008668, OMIM 193400. Inheritance: autosomal recessive or autosomal dominant.

Allele frequency attached by ClinVar (database versions not stated): 1000 Genomes Project 30x 0.00016; 1000 Genomes Project 0.00020.
gnomAD v4.1: 6 of 1,613,650 alleles (0.00037%); highest among the groups gnomAD compares: African/African-American, 0.008%; no homozygotes.

Submission:

ISTH-SSC Genomics in Thrombosis and Hemostasis, KU Leuven, Center for Molecular and Vascular Biology
Classification: Uncertain significance for von Willebrand disease type 1. Review status: criteria provided, single submitter. Criteria: ACMG Guidelines, 2015. Collection method: clinical testing. Allele origin: germline. Affected: yes. Observed: 1 compound heterozygote.
Comment: Submitted to the GoldVariant database by Dr Marie-Christine Morel-Kopp; Northern Blood Research Centre, Sydney, Australia